The following is an entry in ClinVar:

NM_016734.3(PAX5):c.877G>A (p.Val293Met)

Gene: PAX5 (paired box 5; minus strand). Cytogenetic location: 9p13.2.
Variant type: single nucleotide variant.
Coding change: c.877G>A on transcript NM_016734.3 (MANE Select); coding-DNA position 877, G replaced by A.
Protein change: p.Val293Met; replaces valine 293 with methionine.
Molecular consequence: missense variant. On other transcripts: intron variant (2).
Genome position (GRCh38, 1-based): chr9:36,923,388, C>T on the plus strand (G>A on the coding strand, the complement: PAX5 is on the minus strand). VCF-style: chr9-36923388-C-T. GRCh37 (hg19) VCF-style: chr9-36923385-C-T.
Other names: c.877G>A, p.Val293Met (NM_001280547.2, NM_001280548.2, NM_001280552.2); c.553G>A, p.Val185Met (NM_001280551.2, NM_001280556.2); c.748G>A, p.Val250Met (NM_001280553.2, NM_001280554.2); c.679G>A, p.Val227Met (NM_001280555.2); c.780+43161G>A (NM_001280550.2, NM_001280549.2); short protein forms V227M, V250M, V185M, V293M.
Identifiers: ClinVar variation 3885985 (VCV003885985.3).

ClinVar aggregate classification (germline): Uncertain significance. Review status: criteria provided, multiple submitters, no conflicts (2 of 4 stars). 2 submissions from 2 submitters: Uncertain significance (2). Last evaluated 2025-05-29.

Conditions:
Inborn genetic diseases. Identifiers: MedGen C0950123, MeSH D030342.

Submissions (2):

Ambry Genetics
Classification: Uncertain significance for Inborn genetic diseases. Last evaluated: 2025-05-29. Review status: criteria provided, single submitter. Criteria: Ambry Variant Classification Scheme 2023. Collection method: clinical testing. Allele origin: germline.
Comment: The p.V293M variant (also known as c.877G>A), located in coding exon 7 of the PAX5 gene, results from a G to A substitution at nucleotide position 877. The valine at codon 293 is replaced by methionine, an amino acid with highly similar properties. This amino acid position is conserved. In addition, the in silico prediction for this alteration is inconclusive. Based on the available evidence, the clinical significance of this variant remains unclear.

Blueprint Genetics
Classification: Uncertain significance. Last evaluated: 2023-09-20. Review status: criteria provided, single submitter. Criteria: ACMG Guidelines, 2015. Collection method: clinical testing. Allele origin: germline.